The following is an entry in ClinVar:

NM_017514.5(PLXNA3):c.1077G>A (p.Gly359=)

Gene: PLXNA3 (plexin A3; plus strand). Cytogenetic location: Xq28.
Variant type: single nucleotide variant.
Coding change: c.1077G>A on transcript NM_017514.5 (MANE Select); coding-DNA position 1077, G replaced by A.
Protein change: p.Gly359=; no amino-acid change (glycine 359 retained).
Molecular consequence: synonymous variant.
Genome position (GRCh38, 1-based): chrX:154,461,581, G>A. VCF-style: chrX-154461581-G-A. GRCh37 (hg19) VCF-style: chrX-153689921-G-A.
Identifiers: ClinVar variation 4994652 (VCV004994652.1).

ClinVar aggregate classification (germline): Likely benign (1 of 4 stars; one submission).

Conditions:
PLXNA3-related disorder. Also called: PLXNA3-related condition.

gnomAD v4.1: 9 of 1,205,994 alleles (0.00075%); highest among the groups gnomAD compares: Admixed American, 0.0022%; no homozygotes.

Submission:

PreventionGenetics, part of Exact Sciences
Classification: Likely benign for PLXNA3-related condition. Last evaluated: 2026-02-09. Review status: criteria provided, single submitter. Criteria: ACMG Guidelines, 2015. Collection method: clinical testing. Allele origin: germline.
Comment: This variant is classified as likely benign based on ACMG/AMP sequence variant interpretation guidelines (Richards et al. 2015 PMID: 25741868, with internal and published modifications).